The following is an entry in ClinVar:

NM_001142864.4(PIEZO1):c.6751C>T (p.Pro2251Ser)

Gene: PIEZO1 (piezo type mechanosensitive ion channel component 1 (Er blood group); minus strand). Cytogenetic location: 16q24.3.
Variant type: single nucleotide variant.
Coding change: c.6751C>T on transcript NM_001142864.4 (MANE Select); coding-DNA position 6751, C replaced by T.
Protein change: p.Pro2251Ser; replaces proline 2251 with serine.
Molecular consequence: missense variant.
Genome position (GRCh38, 1-based): chr16:88,716,808, G>A on the plus strand (C>T on the coding strand, the complement: PIEZO1 is on the minus strand). VCF-style: chr16-88716808-G-A. GRCh37 (hg19) VCF-style: chr16-88783216-G-A.
Other names: c.5293C>T, p.Pro1765Ser (NM_014745.1); c.6751C>T (NM_001142864.3); short protein forms P2251S, P1765S.
Identifiers: ClinVar variation 2897582 (VCV002897582.6), dbSNP rs767807051, ClinGen allele CA8231503.

ClinVar aggregate classification (germline): Uncertain significance. Review status: criteria provided, multiple submitters, no conflicts (2 of 4 stars). 3 submissions from 3 submitters: Uncertain significance (3). Last evaluated 2026-01-27.

Conditions:
PIEZO1-related disorder. Also called: PIEZO1-Related Disorders; PIEZO1-related condition.

Allele frequency attached by ClinVar (database versions not stated): gnomAD 0.00012; TOPMed 0.00012.
gnomAD v4.1: 543 of 1,549,860 alleles (0.035%); highest among the groups gnomAD compares: Non-Finnish European, 0.044%; no homozygotes.

Submissions (6):

PreventionGenetics, part of Exact Sciences
Classification: Uncertain significance for PIEZO1-related condition. Last evaluated: 2026-01-27. Review status: criteria provided, single submitter. Criteria: ACMG Guidelines, 2015. Collection method: clinical testing. Allele origin: germline.
Comment: The PIEZO1 c.6751C>T variant is predicted to result in the amino acid substitution p.Pro2251Ser. This variant has been reported in the compound heterozygous state in a case of fetal ascites and segregated with phenotypes overlapping dehydrated hereditary stomatocytosis in the family (Stolyar et al. 2021. PubMed ID: 33837027). This variant is reported in 0.028% of alleles in individuals of European (Non-Finnish) descent in gnomAD. At this time, the clinical significance of this variant is uncertain due to the absence of conclusive functional and genetic evidence.

Labcorp Genetics (formerly Invitae), Labcorp
Classification: Uncertain significance. Last evaluated: 2025-10-19. Review status: criteria provided, single submitter. Criteria: Invitae Variant Classification Sherloc (09022015). Collection method: clinical testing. Allele origin: germline.
Comment: This sequence change replaces proline, which is neutral and non-polar, with serine, which is neutral and polar, at codon 2251 of the PIEZO1 protein (p.Pro2251Ser). This variant is present in population databases (rs767807051, gnomAD 0.03%). This variant has not been reported in the literature in individuals affected with PIEZO1-related conditions. ClinVar contains an entry for this variant (Variation ID: 2897582). An algorithm developed to predict the effect of missense changes on protein structure and function (PolyPhen-2) suggests that this variant is likely to be disruptive. In summary, the available evidence is currently insufficient to determine the role of this variant in disease. Therefore, it has been classified as a Variant of Uncertain Significance.

ARUP Laboratories, Molecular Genetics and Genomics, ARUP Laboratories
Classification: Uncertain significance. Last evaluated: 2025-06-12. Review status: criteria provided, single submitter. Criteria: ARUP Molecular Germline Variant Investigation Process 2024. Collection method: clinical testing. Allele origin: germline.
Comment: The PIEZO1 c.6751C>T; p.Pro2251Ser variant (rs767807051, ClinVar Variation ID: 2897582) is not reported in the medical literature in individuals with PIEZO1-related conditions, but is reported in a fetus with fetal ascites and was inherited from an unaffected mother (Stolyar 2021). This variant is found in the non-Finnish European population with an allele frequency of 0.03% (21/74,856 alleles) in the Genome Aggregation Database (v2.1.1). Computational analyses are uncertain whether this variant is neutral or deleterious (REVEL: 0.336). Due to limited information, the clinical significance of this variant is uncertain at this time. References: Stolyar H et al. PIEZO1 mutation: a rare aetiology for fetal ascites. BMJ Case Rep. 2021 Apr 9;14(4):e240682. PMID: 33837027.

Dr. Peter K. Rogan Lab, Western University
No classification provided (evidence only). Condition: Colon adenocarcinoma. Review status: no classification provided. Collection method: in vitro. Allele origin: not applicable. Functional consequence: retained intron. Not counted in ClinVar's aggregate classification.

Dr. Peter K. Rogan Lab, Western University
No classification provided (evidence only). Condition: Hepatocellular carcinoma. Review status: no classification provided. Collection method: in vitro. Allele origin: not applicable. Functional consequence: retained intron. Not counted in ClinVar's aggregate classification.

Dr. Peter K. Rogan Lab, Western University
No classification provided (evidence only). Condition: Ovarian serous cystadenocarcinoma. Review status: no classification provided. Collection method: in vitro. Allele origin: not applicable. Functional consequence: retained intron. Not counted in ClinVar's aggregate classification.